The following is an entry in ClinVar:

ClinVar aggregate classification (germline): Pathogenic/Likely pathogenic. Review status: criteria provided, multiple submitters, no conflicts (2 of 4 stars). 9 submissions from 9 submitters: Pathogenic (7); Likely pathogenic (2). Last evaluated 2026-04-07.

Conditions:
Familial cancer of breast. Also called: Hereditary breast cancer; BREAST CANCER, FAMILIAL; hereditary breast carcinoma. Identifiers: Orphanet 227535, MedGen C0346153, MONDO:0016419, OMIM 114480. Disease mechanism: loss of function.
Fanconi anemia complementation group J. Also called: BRIP1-Related Fanconi Anemia. Identifiers: Orphanet 84, MedGen C1836860, MONDO:0012187, OMIM 609054.
BRIP1-associated familial cancer predisposition.
Hereditary cancer-predisposing syndrome. Also called: Hereditary neoplastic syndrome; Tumor predisposition; Neoplastic Syndromes, Hereditary; Hereditary Cancer Syndrome. Identifiers: Orphanet 140162, MedGen C0027672, MeSH D009386, MONDO:0015356.

Submissions (9):

GeneDx
Classification: Pathogenic. Last evaluated: 2026-04-07. Review status: criteria provided, single submitter. Criteria: GeneDx Variant Classification Process June 2021. Collection method: clinical testing. Allele origin: germline.
Comment: Frameshift variant predicted to result in protein truncation or nonsense mediated decay in a gene for which loss of function is a known mechanism of disease; Not observed at significant frequency in large population cohorts (gnomAD); This variant is associated with the following publications: (PMID: 28888541, 37688579)

St. Jude Molecular Pathology, St. Jude Children's Research Hospital
Classification: Likely pathogenic for Familial cancer of breast. Last evaluated: 2026-02-20. Review status: criteria provided, single submitter. Criteria: St. Jude Assertion Criteria 2020. Collection method: clinical testing. Allele origin: germline.
Comment: The BRIP1 c.46del p.(Tyr16ThrfsTer13) change deletes one nucleotide to cause a frameshift and the creation of a premature stop codon. This change is predicted to cause protein truncation or absence of protein due to nonsense-mediated decay. This variant has been reported in individuals with ovarian cancer (PMID: 28888541). This variant is ab sent in gnomAD v2.1.1. In summary, this variant meets criteria to be classified as likely pathogenic.

Labcorp Genetics (formerly Invitae), Labcorp
Classification: Pathogenic for Familial cancer of breast; Fanconi anemia complementation group J. Last evaluated: 2025-06-03. Review status: criteria provided, single submitter. Criteria: Invitae Variant Classification Sherloc (09022015). Collection method: clinical testing. Allele origin: germline.
Comment: This sequence change creates a premature translational stop signal (p.Tyr16Thrfs*13) in the BRIP1 gene. It is expected to result in an absent or disrupted protein product. Loss-of-function variants in BRIP1 are known to be pathogenic (PMID: 16116423, 17033622, 21964575). This variant is not present in population databases (gnomAD no frequency). This variant has not been reported in the literature in individuals affected with BRIP1-related conditions. ClinVar contains an entry for this variant (Variation ID: 233747). RNA analysis performed to evaluate the impact of this premature translational stop signal on mRNA splicing indicates it does not significantly alter splicing (internal data). For these reasons, this variant has been classified as Pathogenic.

Ambry Genetics
Classification: Pathogenic for Hereditary cancer-predisposing syndrome. Last evaluated: 2025-05-28. Review status: criteria provided, single submitter. Criteria: Ambry Variant Classification Scheme 2023. Collection method: clinical testing. Allele origin: germline.
Comment: The c.46delT pathogenic mutation, located in coding exon 1 of the BRIP1 gene, results from a deletion of one nucleotide at nucleotide position 46, causing a translational frameshift with a predicted alternate stop codon (p.Y16Tfs*13). This variant is considered to be rare based on population cohorts in the Genome Aggregation Database (gnomAD). This alteration is expected to result in loss of function by premature protein truncation or nonsense-mediated mRNA decay. As such, this alteration is interpreted as a disease-causing mutation.

Quest Diagnostics Nichols Institute San Juan Capistrano
Classification: Pathogenic. Last evaluated: 2024-12-31. Review status: criteria provided, single submitter. Criteria: Quest Diagnostics criteria. Collection method: clinical testing. Allele origin: unknown.
Comment: The BRIP1 c.46del (p.Tyr16Thrfs*13) variant alters the translational reading frame of the BRIP1 mRNA and causes the premature termination of BRIP1 protein synthesis. This variant has been reported in the published literature in an individual with ovarian cancer (PMID: 28888541 (2017)). This variant has not been reported in large, multi-ethnic general populations (Genome Aggregation Database). Based on the available information, this variant is classified as pathogenic.

Baylor Genetics
Classification: Likely pathogenic for Familial cancer of breast. Last evaluated: 2023-11-05. Review status: criteria provided, single submitter. Criteria: ACMG Guidelines, 2015. Collection method: clinical testing. Allele origin: unknown.

Myriad Genetics, Inc.
Classification: Pathogenic for Familial cancer of breast. Last evaluated: 2023-05-30. Review status: criteria provided, single submitter. Criteria: Myriad Autosomal Dominant, Autosomal Recessive and X-Linked Classification Criteria (2023). Collection method: clinical testing. Allele origin: unknown.
Comment: This variant is considered pathogenic. This variant creates a frameshift predicted to result in premature protein truncation.

Color Diagnostics, LLC DBA Color Health
Classification: Pathogenic for Hereditary cancer-predisposing syndrome. Last evaluated: 2020-01-15. Review status: criteria provided, single submitter. Criteria: ACMG Guidelines, 2015. Collection method: clinical testing. Allele origin: germline.
Comment: This variant deletes 1 nucleotide in exon 2 of the BRIP1 gene, creating a frameshift and premature translation stop signal. This variant is expected to result in an absent or non-functional protein product. This variant has not been identified in the general population by the Genome Aggregation Database (gnomAD). Loss of BRIP1 function is a known mechanism of disease. Based on the available evidence, this variant is classified as Pathogenic.

Rady Children's Institute for Genomic Medicine, Rady Children's Hospital San Diego
Classification: Pathogenic for BRIP1-associated familial cancer predisposition. Review status: criteria provided, single submitter. Criteria: ACMG Guidelines, 2015. Collection method: clinical testing. Allele origin: germline. Affected: yes.
Comment: This frameshifting variant in exon 2 of 20 introduces a premature stop codon and is therefore predicted to result in loss of normal protein function through either protein truncation or nonsense-mediated mRNA decay (NMD). This variant has not been previously reported or functionally characterized in the literature to our knowledge. However, loss-of-function variants in BRIP1 are an established mechanism of disease (PMID: 16116423, 17033622, 21964575). It is absent from the gnomAD population database and thus is presumed to be rare. Based on the available evidence, the c.46del (p.Tyr16ThrfsTer13) variant is classified as Pathogenic.

Literature cited by the submitters: PubMed 16116423 (cited by Labcorp Genetics (formerly Invitae), Labcorp); PubMed 17033622 (cited by Labcorp Genetics (formerly Invitae), Labcorp); PubMed 21964575 (cited by Labcorp Genetics (formerly Invitae), Labcorp); PubMed 28888541 (cited by Quest Diagnostics Nichols Institute San Juan Capistrano).

NM_032043.3(BRIP1):c.46del (p.Tyr16fs)

Gene: BRIP1 (BRCA1 interacting DNA helicase 1; minus strand). Cytogenetic location: 17q23.2.
Variant type: Deletion.
Coding change: c.46del on transcript NM_032043.3 (MANE Select); coding-DNA position 46, one base deleted (T; older notation c.46delT).
Protein change: p.Tyr16fs; shifts the reading frame from tyrosine 16.
Molecular consequence: frameshift variant.
Genome position (GRCh38, 1-based): chr17:61,861,494, A deleted on the plus strand (T on the coding strand, the reverse complement: BRIP1 is on the minus strand); the first of 3 consecutive A bases (chr17:61,861,494-61,861,496); deleting any one gives the same sequence. VCF-style (leftmost placement, unchanged base first): chr17-61861493-TA-T. GRCh37 (hg19) VCF-style: chr17-59938854-TA-T.
Other names: c.46delT (NM_032043.2).
Identifiers: ClinVar variation 233747 (VCV000233747.26), dbSNP rs876660613, ClinGen allele CA10580899.